The following is an entry in ClinVar:

NM_000297.4(PKD2):c.1073T>C (p.Phe358Ser)

Gene: PKD2 (polycystin 2, transient receptor potential cation channel; plus strand). Cytogenetic location: 4q22.1.
Variant type: single nucleotide variant.
Coding change: c.1073T>C on transcript NM_000297.4 (MANE Select); coding-DNA position 1073, T replaced by C.
Protein change: p.Phe358Ser; replaces phenylalanine 358 with serine.
Molecular consequence: missense variant. On other transcripts: non-coding transcript variant (1).
Genome position (GRCh38, 1-based): chr4:88,038,480, T>C. VCF-style: chr4-88038480-T-C. GRCh37 (hg19) VCF-style: chr4-88959632-T-C.
Other names: c.1073T>C (NM_000297.3); short protein forms F358S.
Identifiers: ClinVar variation 3382289 (VCV003382289.3).

ClinVar aggregate classification (germline): Uncertain significance. Review status: criteria provided, multiple submitters, no conflicts (2 of 4 stars). 2 submissions from 2 submitters: Uncertain significance (2). Last evaluated 2024-08-27.

Conditions:
Polycystic kidney disease 2 (PKD2). Also called: POLYCYSTIC KIDNEY DISEASE, ADULT, TYPE II; Polycystic Kidney Disease 2, Autosomal Dominant; POLYCYSTIC KIDNEY DISEASE 2 WITH OR WITHOUT POLYCYSTIC LIVER DISEASE. Identifiers: MedGen C2751306, MONDO:0013131, OMIM 613095.

Submissions (2):

GeneDx
Classification: Uncertain significance. Last evaluated: 2024-08-27. Review status: criteria provided, single submitter. Criteria: GeneDx Variant Classification Process June 2021. Collection method: clinical testing. Allele origin: germline. Affected: yes.
Comment: Not observed at significant frequency in large population cohorts (gnomAD); In silico analysis supports that this missense variant has a deleterious effect on protein structure/function; Has not been previously published as pathogenic or benign to our knowledge

Juno Genomics, Hangzhou Juno Genomics, Inc
Classification: Uncertain significance for Polycystic kidney disease 2. Review status: criteria provided, single submitter. Criteria: ACMG Guidelines, 2015. Collection method: clinical testing. Allele origin: germline. Affected: yes.
Comment: Absent from controls (or at extremely low frequency if recessive) in Genome Aggregation Database, Exome Sequencing Project, 1000 Genomes Project, or Exome Aggregation Consortium.;Multiple lines of computational evidence support a deleterious effect on the gene or gene product (conservation, evolutionary, splicing impact, etc).;Patient's phenotype or family history is highly specific for a disease with a single genetic etiology.